The following is an entry in ClinVar:

NM_020778.5(ALPK3):c.4461del (p.Glu1488fs)

Gene: ALPK3 (alpha kinase 3; plus strand). Cytogenetic location: 15q25.3.
Variant type: Deletion.
Coding change: c.4461del on transcript NM_020778.5 (MANE Select); coding-DNA position 4461, one base deleted (A; older notation c.4461delA).
Protein change: p.Glu1488fs; shifts the reading frame from glutamic acid 1488.
Molecular consequence: frameshift variant.
Genome position (GRCh38, 1-based): chr15:84,863,602, A deleted. VCF-style (leftmost placement, unchanged base first): chr15-84863601-CA-C. GRCh37 (hg19) VCF-style: chr15-85406832-CA-C.
Other names: short protein forms E1488fs.
Identifiers: ClinVar variation 2029644 (VCV002029644.4), dbSNP rs1279357583, ClinGen allele CA492010456.
Genomic context (GRCh38, chr15:84,863,601, plus strand): 5'-CTCATCCACAGGGGTGCAAGATCCAGAACATGAGTCGGGAGTACTGCAAAATCTTCGCAG[CA>C]GAAGCCCGGGCCGCGCCTGGCTTTGGGGAGGTGCCTGAGTAAGTACGCAGCGAGGAGGAC-3'

ClinVar aggregate classification (germline): Pathogenic (1 of 4 stars; one submission).

Allele frequency attached by ClinVar (database versions not stated): gnomAD exomes below 0.00001; ESP Exome Variant Server 0.00008.

Submission:

Labcorp Genetics (formerly Invitae), Labcorp
Classification: Pathogenic. Last evaluated: 2025-12-20. Review status: criteria provided, single submitter. Criteria: Invitae Variant Classification Sherloc (09022015). Collection method: clinical testing. Allele origin: germline.
Comment: This sequence change creates a premature translational stop signal (p.Glu1690Lysfs*19) in the ALPK3 gene. It is expected to result in an absent or disrupted protein product. Loss-of-function variants in ALPK3 are known to be pathogenic (PMID: 21441111, 26846950, 27106955, 34263907). This variant is not present in population databases (gnomAD no frequency). This variant has not been reported in the literature in individuals affected with ALPK3-related conditions. ClinVar contains an entry for this variant (Variation ID: 2029644). For these reasons, this variant has been classified as Pathogenic.

Literature cited by the submitters: PubMed 21441111; PubMed 26846950; PubMed 27106955; PubMed 34263907.